The following is an entry in ClinVar:

ClinVar aggregate classification (germline): Pathogenic (1 of 4 stars; one submission).

Conditions:
Neuromuscular disease caused by qualitative or quantitative defects of dysferlin. Also called: Qualitative or quantitative defects of dysferlin; Dysferlinopathy. Identifiers: Orphanet 207073, MedGen C2931687, MONDO:0016145.

Submission:

Labcorp Genetics (formerly Invitae), Labcorp
Classification: Pathogenic for Neuromuscular disease caused by qualitative or quantitative defects of dysferlin. Last evaluated: 2022-07-12. Review status: criteria provided, single submitter. Criteria: Invitae Variant Classification Sherloc (09022015). Collection method: clinical testing. Allele origin: germline.
Comment: For these reasons, this variant has been classified as Pathogenic. ClinVar contains an entry for this variant (Variation ID: 1069223). This variant has not been reported in the literature in individuals affected with DYSF-related conditions. This variant is not present in population databases (gnomAD no frequency). This sequence change creates a premature translational stop signal (p.Pro1800Thrfs*28) in the DYSF gene. It is expected to result in an absent or disrupted protein product. Loss-of-function variants in DYSF are known to be pathogenic (PMID: 17698709, 20301480).

Literature cited by the submitters: PubMed 17698709; PubMed 20301480.

NM_001130987.2(DYSF):c.5514_5515insA (p.Pro1839fs)

Gene: DYSF (dysferlin; plus strand). Cytogenetic location: 2p13.2.
Variant type: Insertion.
Coding change: c.5514_5515insA on transcript NM_001130987.2 (MANE Select); coding-DNA positions 5514 to 5515, A inserted.
Protein change: p.Pro1839fs; shifts the reading frame from proline 1839.
Molecular consequence: frameshift variant.
Genome position: GRCh38 VCF-style: chr2-71668810-T-TA. GRCh37 (hg19) VCF-style: chr2-71895940-T-TA.
Other names: c.5400_5401insA, p.Pro1801fs (NM_001130455.2); c.5355_5356insA, p.Pro1786fs (NM_001130976.2); c.5418_5419insA, p.Pro1807fs (NM_001130977.2); c.5460_5461insA, p.Pro1821fs (NM_001130978.2); c.5490_5491insA, p.Pro1831fs (NM_001130979.2); c.5448_5449insA, p.Pro1817fs (NM_001130980.2); c.5511_5512insA, p.Pro1838fs (NM_001130981.2); c.5493_5494insA, p.Pro1832fs (NM_001130982.2); and 5 more; short protein forms P1786fs, P1787fs, P1800fs, P1801fs, P1807fs, P1808fs, P1817fs, P1818fs.
Identifiers: ClinVar variation 1069223 (VCV001069223.8), dbSNP rs2152955557, ClinGen allele CA2499216230.